The following is an entry in ClinVar:

ClinVar aggregate classification (germline): Pathogenic/Likely pathogenic. Review status: criteria provided, multiple submitters, no conflicts (2 of 4 stars). 3 submissions from 3 submitters: Pathogenic (2); Likely pathogenic (1). Last evaluated 2026-09-27.

Conditions:
Multiple congenital anomalies-hypotonia-seizures syndrome 1 (MCAHS1). Also called: GLYCOSYLPHOSPHATIDYLINOSITOL BIOSYNTHESIS DEFECT 3; PIGN-CDG; Congenital disorder of glycosylation due to PIGN deficiency. Identifiers: Orphanet 280633, MedGen C3279775, MONDO:0013563, OMIM 614080.

Allele frequency attached by ClinVar (database versions not stated): TOPMed 0.00002; ESP Exome Variant Server 0.00026; gnomAD exomes 0.00001; ExAC below 0.00001; gnomAD 0.00001.

Submissions (3):

GeneDx
Classification: Likely pathogenic. Last evaluated: 2026-09-27. Review status: criteria provided, single submitter. Criteria: GeneDx Variant Classification Process June 2021. Collection method: clinical testing. Allele origin: germline.
Comment: Frameshift variant predicted to result in protein truncation or nonsense mediated decay in a gene for which loss of function is a known mechanism of disease; Not observed at significant frequency in large population cohorts (gnomAD); Has not been previously published as pathogenic or benign to our knowledge

Labcorp Genetics (formerly Invitae), Labcorp
Classification: Pathogenic for Multiple congenital anomalies-hypotonia-seizures syndrome 1. Last evaluated: 2024-10-09. Review status: criteria provided, single submitter. Criteria: Invitae Variant Classification Sherloc (09022015). Collection method: clinical testing. Allele origin: germline.
Comment: This sequence change creates a premature translational stop signal (p.Met328Aspfs*12) in the PIGN gene. It is expected to result in an absent or disrupted protein product. Loss-of-function variants in PIGN are known to be pathogenic (PMID: 24253414, 27038415). This variant is not present in population databases (gnomAD no frequency). This variant has not been reported in the literature in individuals affected with PIGN-related conditions. ClinVar contains an entry for this variant (Variation ID: 598225). For these reasons, this variant has been classified as Pathogenic.

Eurofins Ntd Llc (ga)
Classification: Pathogenic. Last evaluated: 2018-08-08. Review status: criteria provided, single submitter. Criteria: EGL ClinVar v180209 classification definitions. Collection method: clinical testing. Allele origin: germline. Observed: 1 variant allele, 1 heterozygote.

Literature cited by the submitters: PubMed 24253414 (cited by Labcorp Genetics (formerly Invitae), Labcorp); PubMed 27038415 (cited by Labcorp Genetics (formerly Invitae), Labcorp).

NM_176787.5(PIGN):c.981dup (p.Met328fs)

Gene: PIGN (phosphatidylinositol glycan anchor biosynthesis class N; minus strand). Cytogenetic location: 18q21.33.
Variant type: Duplication.
Coding change: c.981dup on transcript NM_176787.5 (MANE Select); coding-DNA position 981, one base duplicated (G; older notation c.981dupG).
Protein change: p.Met328fs; shifts the reading frame from methionine 328.
Molecular consequence: frameshift variant.
Genome position (GRCh38, 1-based): chr18:62,140,462, C duplicated on the plus strand (G on the coding strand, the reverse complement: PIGN is on the minus strand). VCF-style (leftmost placement, unchanged base first): chr18-62140461-T-TC. GRCh37 (hg19) VCF-style: chr18-59807694-T-TC.
Other names: c.981dup (NM_176787.4); c.981dup, p.Met328fs (NM_012327.6); short protein forms M328fs.
Identifiers: ClinVar variation 598225 (VCV000598225.15), dbSNP rs776697598, ClinGen allele CA8982431.
Genomic context (GRCh38, chr18:62,140,461, plus strand): 5'-ATAAAATTTTATTCCTTACCACTGAGTTAAGAGGAAAGGGAACTCCAATAAGGGAAGTCA[T>TC]CAATGGTGCAATATCAGCCTACAAATAAAAAAGCTCAATTCTAAGAAGTCTATGGACATC-3'